The following is an entry in ClinVar:

ClinVar aggregate classification (germline): Uncertain significance (1 of 4 stars; one submission).

Conditions:
Neurodevelopmental disorder with or without hyperkinetic movements and seizures, autosomal dominant. Also called: Intellectual disability, autosomal dominant 8. Identifiers: MedGen C3280282, MONDO:0013655, OMIM 614254.

Allele frequency attached by ClinVar (database versions not stated): TOPMed 0.00003.

Submission:

Labcorp Genetics (formerly Invitae), Labcorp
Classification: Uncertain significance for Neurodevelopmental disorder with or without hyperkinetic movements and seizures, autosomal dominant. Last evaluated: 2025-11-03. Review status: criteria provided, single submitter. Criteria: Invitae Variant Classification Sherloc (09022015). Collection method: clinical testing. Allele origin: germline.
Comment: This sequence change falls in intron 4 of the GRIN1 gene. It does not directly change the encoded amino acid sequence of the GRIN1 protein. It affects a nucleotide within the consensus splice site. This variant is not present in population databases (gnomAD no frequency). This variant has not been reported in the literature in individuals affected with GRIN1-related conditions. ClinVar contains an entry for this variant (Variation ID: 1915326). Variants that disrupt the consensus splice site are a relatively common cause of aberrant splicing (PMID: 17576681, 9536098). Algorithms developed to predict the effect of sequence changes on RNA splicing suggest that this variant is not likely to affect RNA splicing. In summary, the available evidence is currently insufficient to determine the role of this variant in disease. Therefore, it has been classified as a Variant of Uncertain Significance.

Literature cited by the submitters: PubMed 17576681; PubMed 9536098.

NM_007327.4(GRIN1):c.671+6G>A

Gene: GRIN1 (glutamate ionotropic receptor NMDA type subunit 1; plus strand). Cytogenetic location: 9q34.3.
Variant type: single nucleotide variant.
Coding change: c.671+6G>A on transcript NM_007327.4 (MANE Select); 6 bases into the intron after coding-DNA position 671, G replaced by A.
Molecular consequence: intron variant.
Genome position (GRCh38, 1-based): chr9:137,149,115, G>A. VCF-style: chr9-137149115-G-A. GRCh37 (hg19) VCF-style: chr9-140043567-G-A.
Other names: c.734+6G>A (NM_001185090.2, NM_001185091.2); c.671+6G>A (NM_021569.4, NM_000832.7).
Identifiers: ClinVar variation 1915326 (VCV001915326.5), dbSNP rs1265955648, ClinGen allele CA591217669.
Genomic context (GRCh38, chr9:137,149,115, plus strand): 5'-CCCTGCTGATGGAGGCGAAAGAGCTGGAGGCCCGGGTCATCATCCTTTCTGCCAGGTGAG[G>A]CTGGGCAGGGCCCTACACACTCCACACAGGATGGTACCTGAGCCAAGTACCCGCCATCTG-3'